The following is an entry in ClinVar:

ClinVar aggregate classification (germline): Conflicting classifications of pathogenicity. Review status: criteria provided, conflicting classifications (1 of 4 stars). 2 submissions from 2 submitters: Uncertain significance (1); Likely benign (1). Last evaluated 2023-03-23.

Conditions:
Hereditary cancer-predisposing syndrome. Also called: Neoplastic Syndromes, Hereditary; Tumor predisposition; Hereditary Cancer Syndrome; Hereditary neoplastic syndrome. Identifiers: Orphanet 140162, MedGen C0027672, MeSH D009386, MONDO:0015356.

Submissions (2):

University of Washington Department of Laboratory Medicine, University of Washington
Classification: Likely benign for Hereditary cancer-predisposing syndrome. Last evaluated: 2023-03-23. Review status: criteria provided, single submitter. Criteria: Dines et al. (Genet Med. 2020). Collection method: curation. Allele origin: germline.
Comment: Missense variant in a coldspot region where missense variants are very unlikely to be pathogenic (PMID:31911673).

BRCA1 coldspot (exon 11 using historical exon numbering). Reclassification based on statistical prior probability

Ambry Genetics
Classification: Uncertain significance for Hereditary cancer-predisposing syndrome. Last evaluated: 2014-10-13. Review status: criteria provided, single submitter. Criteria: Ambry Variant Classification Scheme 2023. Collection method: clinical testing. Allele origin: germline.
Comment: The p.V1116G variant (also known as c.3347T>G or 3466T>G), located in coding exon 9 of the BRCA1 gene, results from a T to G substitution at nucleotide position 3347. The valine at codon 1116 is replaced by glycine, an amino acid with dissimilar properties. This variant was not reported in population based cohorts in the following databases: Database of Single Nucleotide Polymorphisms (dbSNP), NHLBI Exome Sequencing Project (ESP), and 1000 Genomes Project. In the ESP, this variant was not observed in 6503 samples (13006 alleles) with coverage at this position. To date, this alteration has been detected with an allele frequency of approximately 0.002% (greater than 64,000 alleles tested) in our clinical cohort. This amino acid position is poorly conserved in available vertebrate species. In addition, this alteration is predicted to be benign and deleterious by PolyPhen and SIFT in silico analyses, respectively. Since supporting evidence is limited at this time, the clinical significance of p.V1116G remains unclear.

NM_007294.4(BRCA1):c.3347T>G (p.Val1116Gly)

Genes: BRCA1 (BRCA1 DNA repair associated; minus strand), LOC126862571 (BRD4-independent group 4 enhancer GRCh37_chr17:41243136-41244335; plus strand). Cytogenetic location: 17q21.31.
Variant type: single nucleotide variant.
Coding change: c.3347T>G on transcript NM_007294.4 (MANE Select); coding-DNA position 3347, T replaced by G.
Protein change: p.Val1116Gly; replaces valine 1116 with glycine.
Molecular consequence: missense variant. On other transcripts: intron variant (137).
Genome position (GRCh38, 1-based): chr17:43,092,184, A>C on the plus strand (T>G on the coding strand, the complement: BRCA1 is on the minus strand). VCF-style: chr17-43092184-A-C. GRCh37 (hg19) VCF-style: chr17-41244201-A-C.
Other names: c.3080T>G, p.Val1027Gly (NM_001407932.1, NM_001407934.1, NM_001407936.1 and 2 more transcripts); c.3083T>G, p.Val1028Gly (NM_001407933.1, NM_001407935.1, NM_001407920.1 and 9 more transcripts); c.3224T>G, p.Val1075Gly (NM_001407937.1, NM_001407938.1, NM_001407939.1 and 19 more transcripts); c.3221T>G, p.Val1074Gly (NM_001407940.1, NM_001407941.1, NM_001407649.1 and 11 more transcripts); c.3206T>G, p.Val1069Gly (NM_001407942.1, NM_001407944.1, NM_001407945.1 and 29 more transcripts); c.3203T>G, p.Val1068Gly (NM_001407943.1, NM_001407964.1, NM_001407740.1 and 20 more transcripts); c.3014T>G, p.Val1005Gly (NM_001407946.1, NM_001407947.1, NM_001407948.1 and 6 more transcripts); c.3011T>G, p.Val1004Gly (NM_001407954.1, NM_001407955.1, NM_001407956.1 and 1 more transcripts); and 41 more; short protein forms V1116G, V1069G, V1049G, V1068G, V1089G, V1113G, V948G, V1004G.
Identifiers: ClinVar variation 186699 (VCV000186699.8), dbSNP rs786203153, ClinGen allele CA002169.